The following is an entry in ClinVar:

ClinVar aggregate classification (germline): Likely benign (1 of 4 stars; one submission).

Allele frequency attached by ClinVar (database versions not stated): 1000 Genomes Project 0.00100; 1000 Genomes Project 30x 0.00109; ESP Exome Variant Server 0.00138; gnomAD 0.00155; TOPMed 0.00162.
gnomAD v4.1: 2,403 of 1,612,080 alleles (0.15%); highest among the groups gnomAD compares: African/African-American, 0.23%; 47 homozygotes.

Submission:

CeGaT Center for Human Genetics Tuebingen
Classification: Likely benign. Last evaluated: 2022-11-01. Review status: criteria provided, single submitter. Criteria: CeGaT Center For Human Genetics Tuebingen Variant Classification Criteria Version 2. Collection method: clinical testing. Allele origin: germline. Affected: yes. Observed: 1 variant allele.
Comment: PSG6: BP4, BP7, BS2

NM_001031850.4(PSG6):c.279C>A (p.Ala93=)

Gene: PSG6 (pregnancy specific beta-1-glycoprotein 6; minus strand). Cytogenetic location: 19q13.31.
Variant type: single nucleotide variant.
Coding change: c.279C>A on transcript NM_001031850.4 (MANE Select); coding-DNA position 279, C replaced by A.
Protein change: p.Ala93=; no amino-acid change (alanine 93 retained).
Molecular consequence: synonymous variant.
Genome position (GRCh38, 1-based): chr19:42,916,273, G>T on the plus strand (C>A on the coding strand, the complement: PSG6 is on the minus strand). VCF-style: chr19-42916273-G-T. GRCh37 (hg19) VCF-style: chr19-43420425-G-T.
Other names: c.279C>A, p.Ala93= (NM_002782.5).
Identifiers: ClinVar variation 2650051 (VCV002650051.24), dbSNP rs144161671, ClinGen allele CA9481559.
Genomic context (GRCh38, chr19:42,916,273, plus strand): 5'-CTGTGTGACATTCTGGATCAGCAGGGATGCATTGGAATATACTGTTTCTCGTCCACTGTA[G>T]GCAGGCCCATATATAATTTGACCGTGTACTACATATGATGTAATGTAATGGTAGAGGTCC-3'
Protein context (NP_001027020.1, residues 83-103): VVHGQIIYGP[Ala93=]YSGRETVYSN